The following is an entry in ClinVar:

NM_001853.4(COL9A3):c.1258C>G (p.Gln420Glu)

Gene: COL9A3 (collagen type IX alpha 3 chain; plus strand). Cytogenetic location: 20q13.33.
Variant type: single nucleotide variant.
Coding change: c.1258C>G on transcript NM_001853.4 (MANE Select); coding-DNA position 1258, C replaced by G.
Protein change: p.Gln420Glu; replaces glutamine 420 with glutamic acid.
Molecular consequence: missense variant.
Genome position (GRCh38, 1-based): chr20:62,830,559, C>G. VCF-style: chr20-62830559-C-G. GRCh37 (hg19) VCF-style: chr20-61461911-C-G.
Other names: c.1258C>G, p.Gln420Glu (LRG_1253t1); short protein forms Q420E.
Identifiers: ClinVar variation 339288 (VCV000339288.19), dbSNP rs138648117, ClinGen allele CA9949852.

ClinVar aggregate classification (germline): Conflicting classifications of pathogenicity. Review status: criteria provided, conflicting classifications (1 of 4 stars). 5 submissions from 5 submitters: Uncertain significance (2); Likely benign (2). 1 of the submissions does not count toward it. Last evaluated 2026-05-31.

Conditions:
COL9A3-related disorder. Also called: COL9A3-related condition.
Inborn genetic diseases. Identifiers: MedGen C0950123, MeSH D030342.

Allele frequency attached by ClinVar (database versions not stated): gnomAD 0.00028 and 0.00029; gnomAD exomes 0.00028; ESP Exome Variant Server 0.00031; TOPMed 0.00033; ExAC 0.00035.

Submissions (5):

Ambry Genetics
Classification: Uncertain significance for Inborn genetic diseases. Last evaluated: 2026-05-31. Review status: criteria provided, single submitter. Criteria: Ambry Variant Classification Scheme 2023. Collection method: clinical testing. Allele origin: germline.
Comment: The c.1258C>G (p.Q420E) alteration is located in exon 24 (coding exon 24) of the COL9A3 gene. This alteration results from a C to G substitution at nucleotide position 1258, causing the glutamine (Q) at amino acid position 420 to be replaced by a glutamic acid (E). Based on data from gnomAD, the G allele has an overall frequency of 0.026% (70/264946) total alleles studied. The highest observed frequency was 0.07% (24/34254) of Latino alleles. Based on insufficient or conflicting evidence, the clinical significance of this alteration remains unclear.

Labcorp Genetics (formerly Invitae), Labcorp
Classification: Likely benign. Last evaluated: 2026-01-21. Review status: criteria provided, single submitter. Criteria: Invitae Variant Classification Sherloc (09022015). Collection method: clinical testing. Allele origin: germline.

GeneDx
Classification: Uncertain significance. Last evaluated: 2025-01-07. Review status: criteria provided, single submitter. Criteria: GeneDx Variant Classification Process June 2021. Collection method: clinical testing. Allele origin: germline. Affected: yes.
Comment: In silico analysis indicates that this missense variant does not alter protein structure/function; This variant is associated with the following publications: (PMID: 37958660)

Blueprint Genetics
Classification: Likely benign. Last evaluated: 2024-11-27. Review status: criteria provided, single submitter. Criteria: ACMG Guidelines, 2015. Collection method: clinical testing. Allele origin: germline.

PreventionGenetics, part of Exact Sciences
Classification: Uncertain significance for COL9A3-related condition. Last evaluated: 2024-09-12. Review status: no assertion criteria provided. Collection method: clinical testing. Allele origin: germline. Not counted in ClinVar's aggregate classification.
Comment: The COL9A3 c.1258C>G variant is predicted to result in the amino acid substitution p.Gln420Glu. This variant has been reported as maternally inherited in an individual with early-onset high myopia; however, they also had a likely pathogenic variant in CACNA1F (Sánchez-Cazorla et al. 2023. PubMed ID: 37958660). This variant is reported in 0.070% of alleles in individuals of Latino descent in gnomAD. Although we suspect that this variant may be benign, at this time, the clinical significance of this variant is uncertain due to the absence of conclusive functional and genetic evidence.